The following is an entry in ClinVar:

ClinVar aggregate classification (germline): Uncertain significance (1 of 4 stars; one submission).

Submission:

Labcorp Genetics (formerly Invitae), Labcorp
Classification: Uncertain significance. Last evaluated: 2022-05-27. Review status: criteria provided, single submitter. Criteria: Invitae Variant Classification Sherloc (09022015). Collection method: clinical testing. Allele origin: germline.
Comment: This sequence change falls in intron 12 of the FCHO1 gene. It does not directly change the encoded amino acid sequence of the FCHO1 protein. It affects a nucleotide within the consensus splice site. This variant is not present in population databases (gnomAD no frequency). This variant has not been reported in the literature in individuals affected with FCHO1-related conditions. Variants that disrupt the consensus splice site are a relatively common cause of aberrant splicing (PMID: 17576681, 9536098). Algorithms developed to predict the effect of sequence changes on RNA splicing suggest that this variant may disrupt the consensus splice site. In summary, the available evidence is currently insufficient to determine the role of this variant in disease. Therefore, it has been classified as a Variant of Uncertain Significance.

Literature cited by the submitters: PubMed 17576681; PubMed 9536098.

NM_015122.3(FCHO1):c.835+5G>T

Gene: FCHO1 (FCH and mu domain containing endocytic adaptor 1; plus strand). Cytogenetic location: 19p13.11.
Variant type: single nucleotide variant.
Coding change: c.835+5G>T on transcript NM_015122.3 (MANE Select); 5 bases into the intron after coding-DNA position 835, G replaced by T.
Molecular consequence: intron variant.
Genome position (GRCh38, 1-based): chr19:17,774,288, G>T. VCF-style: chr19-17774288-G-T. GRCh37 (hg19) VCF-style: chr19-17885097-G-T.
Other names: c.835+5G>T (NM_001384370.1, NM_001384396.1, NM_001384404.1 and 25 more transcripts); c.760+5G>T (NM_001384390.1); c.685+5G>T (NM_001384406.1, NM_001384407.1, NM_001384384.1 and 3 more transcripts); c.791-106G>T (NM_001384403.1); c.796+5G>T (NM_001384388.1, NM_001384405.1, NM_001384389.1).
Identifiers: ClinVar variation 1997248 (VCV001997248.4), dbSNP rs2513689723, ClinGen allele CA645609257.